The following is an entry in ClinVar:

ClinVar aggregate classification (germline): Uncertain significance (1 of 4 stars; one submission).

Conditions:
Cardiovascular phenotype. Identifiers: MedGen CN230736.

Submission:

Ambry Genetics
Classification: Uncertain significance for Cardiovascular phenotype. Last evaluated: 2025-04-15. Review status: criteria provided, single submitter. Criteria: Ambry Variant Classification Scheme 2023. Collection method: clinical testing. Allele origin: germline.
Comment: The c.602_604delCCTinsGCC variant, located in coding exon 6 of the LDLRAP1 gene, results from an in-frame deletion of CCT and insertion of GCC at nucleotide positions 602 to 604. This results in the substitution of the residue for a residue at codon 201, an amino acid with highly similar properties. This amino acid region is not well conserved in available vertebrate species. In addition, this alteration is predicted to be neutral by in silico analysis (Choi Y et al. PLoS ONE. 2012; 7(10):e46688). Since supporting evidence is limited at this time, the clinical significance of this alteration remains unclear.

NM_015627.3(LDLRAP1):c.602_604delinsGCC (p.Pro201_Ser202delinsArgPro)

Gene: LDLRAP1 (low density lipoprotein receptor adaptor protein 1; plus strand). Cytogenetic location: 1p36.11.
Variant type: Indel.
Coding change: c.602_604delinsGCC on transcript NM_015627.3 (MANE Select); coding-DNA positions 602 to 604, CCT replaced by GCC.
Protein change: p.Pro201_Ser202delinsArgPro.
Molecular consequence: missense variant.
Genome position (GRCh38, 1-based): chr1:25,563,139-25,563,141, CCT replaced by GCC. VCF-style: chr1-25563139-CCT-GCC. GRCh37 (hg19) VCF-style: chr1-25889630-CCT-GCC.
Identifiers: ClinVar variation 1751130 (VCV001751130.3), dbSNP rs2524111028, ClinGen allele CA2580062603.